The following is an entry in ClinVar:

NM_016955.4(SEPSECS):c.1001A>G (p.Tyr334Cys)

Gene: SEPSECS (Sep (O-phosphoserine) tRNA:Sec (selenocysteine) tRNA synthase; minus strand). Cytogenetic location: 4p15.2.
Variant type: single nucleotide variant.
Coding change: c.1001A>G on transcript NM_016955.4 (MANE Select); coding-DNA position 1001, A replaced by G.
Protein change: p.Tyr334Cys; replaces tyrosine 334 with cysteine.
Molecular consequence: missense variant.
Genome position (GRCh38, 1-based): chr4:25,144,799, T>C on the plus strand (A>G on the coding strand, the complement: SEPSECS is on the minus strand). VCF-style: chr4-25144799-T-C. GRCh37 (hg19) VCF-style: chr4-25146421-T-C.
Other names: short protein forms Y334C.
Identifiers: ClinVar variation 18400 (VCV000018400.11), dbSNP rs267607036, ClinGen allele CA114252.

ClinVar aggregate classification (germline): Pathogenic. Review status: criteria provided, multiple submitters, no conflicts (2 of 4 stars). 4 submissions from 4 submitters: Pathogenic (3). 1 of the submissions does not count toward it. Last evaluated 2024-03-19.

Conditions:
Pontocerebellar hypoplasia type 2D (PCH2D). Also called: Progressive cerebello-cerebral atrophy. Identifiers: Orphanet 247198, Orphanet 2524, MedGen C3151140, MONDO:0013438, OMIM 613811.

Allele frequency attached by ClinVar (database versions not stated): gnomAD exomes below 0.00001; TOPMed below 0.00001.
gnomAD v4.1: 4 of 1,612,408 alleles (0.00025%); highest among the groups gnomAD compares: Middle Eastern, 0.033%; no homozygotes.

Submissions (4):

Fulgent Genetics
Classification: Pathogenic for Pontocerebellar hypoplasia type 2D. Last evaluated: 2024-03-19. Review status: criteria provided, single submitter. Criteria: ACMG Guidelines, 2015. Collection method: clinical testing. Allele origin: germline.

Labcorp Genetics (formerly Invitae), Labcorp
Classification: Pathogenic. Last evaluated: 2024-01-31. Review status: criteria provided, single submitter. Criteria: Invitae Variant Classification Sherloc (09022015). Collection method: clinical testing. Allele origin: germline.
Comment: This sequence change replaces tyrosine, which is neutral and polar, with cysteine, which is neutral and slightly polar, at codon 334 of the SEPSECS protein (p.Tyr334Cys). This variant is not present in population databases (gnomAD no frequency). This missense change has been observed in individuals with pontocerebellar hypoplasia (PMID: 20920667, 26805434). ClinVar contains an entry for this variant (Variation ID: 18400). Advanced modeling of protein sequence and biophysical properties (such as structural, functional, and spatial information, amino acid conservation, physicochemical variation, residue mobility, and thermodynamic stability) performed at Invitae indicates that this missense variant is expected to disrupt SEPSECS protein function with a positive predictive value of 80%. Experimental studies have shown that this missense change affects SEPSECS function (PMID: 20920667, 27576344). For these reasons, this variant has been classified as Pathogenic.

Neuberg Centre For Genomic Medicine, NCGM
Classification: Pathogenic for Pontocerebellar hypoplasia type 2D. Review status: criteria provided, single submitter. Criteria: ACMG Guidelines, 2015. Collection method: clinical testing. Allele origin: germline. Affected: yes.
Comment: The missense variant c.1001A>G (p.Tyr334Cys) in SEPSECS gene has been observed in several individuals affected with pontocerebellar hypoplasia (Agamy et al. 2010, Pavlidou et al. 2016). This variant has been reported to affect SEPSECS protein function (Agamy et al. 2010, Puppala et al. 2016). The p.Tyr334Cys variant is novel (not in any individuals) in gnomAD Exomes and 1000 Genomes. This variant has been reported to the ClinVar database as Pathogenic. The amino acid Tyr at position 334 is changed to a Cys changing protein sequence and it might alter its composition and physico-chemical properties. The variant is predicted to be damaging by both SIFT and PolyPhen2. The residue is conserved across species. The amino acid change p.Tyr334Cys in SEPSECS is predicted as conserved by GERP++ and PhyloP across 100 vertebrates. For these reasons, this variant has been classified as Pathogenic

OMIM
Classification: Pathogenic for PONTOCEREBELLAR HYPOPLASIA, TYPE 2D. Last evaluated: 2010-10-08. Review status: no assertion criteria provided. Collection method: literature only. Allele origin: germline. Not counted in ClinVar's aggregate classification.

Literature cited by the submitters: PubMed 20920667 (cited by Labcorp Genetics (formerly Invitae), Labcorp and OMIM); PubMed 26805434 (cited by Labcorp Genetics (formerly Invitae), Labcorp); PubMed 27576344 (cited by Labcorp Genetics (formerly Invitae), Labcorp); PubMed 12920088 (cited by OMIM).